The following is an entry in ClinVar:

ClinVar aggregate classification (germline): Benign/Likely benign. Review status: criteria provided, multiple submitters, no conflicts (2 of 4 stars). 7 submissions from 7 submitters: Benign (3); Likely benign (2). 2 of the submissions do not count toward it. Last evaluated 2026-06-01.

Conditions:
ASXL1-related disorder. Also called: ASXL1-related disorders; ASXL1-related condition.
Bohring-Opitz syndrome. Also called: OPITZ TRIGONOCEPHALY-LIKE SYNDROME; ASXL1-Related Bohring-Opitz Syndrome; C-LIKE SYNDROME; BOHRING SYNDROME. Identifiers: Orphanet 97297, MedGen C0796232, MONDO:0011510, OMIM 605039.

Allele frequency attached by ClinVar (database versions not stated): ExAC 0.00040; gnomAD 0.00131 and 0.00137; ESP Exome Variant Server 0.00146; TOPMed 0.00153; 1000 Genomes Project 30x 0.00250; 1000 Genomes Project 0.00260.
gnomAD v4.1: 407 of 1,613,376 alleles (0.025%); highest among the groups gnomAD compares: African/African-American, 0.42%; 3 homozygotes.

Submissions (7):

CeGaT Center for Human Genetics Tuebingen
Classification: Likely benign. Last evaluated: 2026-06-01. Review status: criteria provided, single submitter. Criteria: CeGaT Center For Human Genetics Tuebingen Variant Classification Criteria Version 2. Collection method: clinical testing. Allele origin: germline. Affected: yes. Observed: 1 variant allele.
Comment: ASXL1: BP4, BS1

Labcorp Genetics (formerly Invitae), Labcorp
Classification: Benign. Last evaluated: 2026-01-09. Review status: criteria provided, single submitter. Criteria: Invitae Variant Classification Sherloc (09022015). Collection method: clinical testing. Allele origin: germline.

Blueprint Genetics
Classification: Likely benign. Last evaluated: 2024-08-29. Review status: criteria provided, single submitter. Criteria: ACMG Guidelines, 2015. Collection method: clinical testing. Allele origin: germline.

Genome-Nilou Lab
Classification: Benign for Bohring-Opitz syndrome. Last evaluated: 2021-12-05. Review status: criteria provided, single submitter. Criteria: ACMG Guidelines, 2015. Collection method: clinical testing. Allele origin: germline. Affected: no.

GeneDx
Classification: Benign. Last evaluated: 2019-03-25. Review status: criteria provided, single submitter. Criteria: GeneDx Variant Classification Process June 2021. Collection method: clinical testing. Allele origin: germline. Affected: yes.

PreventionGenetics, part of Exact Sciences
Classification: Benign for ASXL1-related condition. Last evaluated: 2019-06-07. Review status: no assertion criteria provided. Collection method: clinical testing. Allele origin: germline. Not counted in ClinVar's aggregate classification.
Comment: This variant is classified as benign based on ACMG/AMP sequence variant interpretation guidelines (Richards et al. 2015 PMID: 25741868, with internal and published modifications).

ITMI
No classification provided. Condition: AllHighlyPenetrant. Last evaluated: 2013-09-19. Review status: no classification provided. Collection method: reference population. Allele origin: germline. Not counted in ClinVar's aggregate classification.
Comment: Please see associated publication for description of ethnicities

Literature cited by the submitters: PubMed 24728327 (cited by ITMI).

NM_015338.6(ASXL1):c.1429G>C (p.Glu477Gln)

Gene: ASXL1 (ASXL transcriptional regulator 1; plus strand). Cytogenetic location: 20q11.21.
Variant type: single nucleotide variant.
Coding change: c.1429G>C on transcript NM_015338.6 (MANE Select); coding-DNA position 1429, G replaced by C.
Protein change: p.Glu477Gln; replaces glutamic acid 477 with glutamine.
Molecular consequence: missense variant.
Genome position (GRCh38, 1-based): chr20:32,433,627, G>C. VCF-style: chr20-32433627-G-C. GRCh37 (hg19) VCF-style: chr20-31021430-G-C.
Other names: c.1246G>C, p.Glu416Gln (NM_001363734.1); short protein forms E477Q, E416Q.
Identifiers: ClinVar variation 133577 (VCV000133577.19), dbSNP rs141346625, ClinGen allele CA156984.